The following is an entry in ClinVar:

ClinVar aggregate classification (germline): Uncertain significance (1 of 4 stars; one submission).

Conditions:
Fetal akinesia, respiratory insufficiency, microcephaly, polymicrogyria, and dysmorphic facies. Identifiers: MedGen C5562015, MONDO:0859204, OMIM 619602.
Developmental and epileptic encephalopathy 98. Identifiers: MedGen C5562017, MONDO:0030472, OMIM 619605.
Alternating hemiplegia of childhood 1 (AHC1). Identifiers: Orphanet 2131, MedGen C3549447, MONDO:0007087, OMIM 104290.
Migraine, familial hemiplegic, 2. Identifiers: Orphanet 569, MedGen C1865322, MONDO:0011232, OMIM 602481.

Submission:

Juno Genomics, Hangzhou Juno Genomics, Inc
Classification: Uncertain significance for Alternating hemiplegia of childhood 1; Developmental and epileptic encephalopathy 98; Fetal akinesia, respiratory insufficiency, microcephaly, polymicrogyria, and dysmorphic facies; Migraine, familial hemiplegic, 2. Review status: criteria provided, single submitter. Criteria: ACMG Guidelines, 2015. Collection method: clinical testing. Allele origin: germline.
Comment: Missense variant in a gene that has a low rate of benign missense variation.;Multiple lines of computational evidence support a deleterious effect on the gene or gene product.;Absent from controls (or at extremely low frequency if recessive) in Genome Aggregation Database.

NM_000702.4(ATP1A2):c.795G>A (p.Met265Ile)

Gene: ATP1A2 (ATPase Na+/K+ transporting subunit alpha 2; plus strand). Cytogenetic location: 1q23.2.
Variant type: single nucleotide variant.
Coding change: c.795G>A on transcript NM_000702.4 (MANE Select); coding-DNA position 795, G replaced by A.
Protein change: p.Met265Ile; replaces methionine 265 with isoleucine.
Molecular consequence: missense variant.
Genome position (GRCh38, 1-based): chr1:160,127,598, G>A. VCF-style: chr1-160127598-G-A. GRCh37 (hg19) VCF-style: chr1-160097388-G-A.
Other names: short protein forms M265I.
Identifiers: ClinVar variation 5005025 (VCV005005025.2).